The following is an entry in ClinVar:

ClinVar aggregate classification (germline): Uncertain significance (1 of 4 stars; one submission).

Conditions:
MARS1-related disorder. Also called: MARS1-related condition.

Submission:

PreventionGenetics, part of Exact Sciences
Classification: Uncertain significance for MARS1-related condition. Last evaluated: 2026-05-25. Review status: criteria provided, single submitter. Criteria: ACMG Guidelines, 2015. Collection method: clinical testing. Allele origin: germline.
Comment: The MARS1 c.806C>T variant is predicted to result in the amino acid substitution p.Thr269Ile. To our knowledge, this variant has not been reported in the literature or in a large population database (gnomAD), indicating this variant is rare. At this time, the clinical significance of this variant is uncertain due to the absence of conclusive functional and genetic evidence.

NM_004990.4(MARS1):c.806C>T (p.Thr269Ile)

Gene: MARS1 (methionyl-tRNA synthetase 1; plus strand). Cytogenetic location: 12q13.3.
Variant type: single nucleotide variant.
Coding change: c.806C>T on transcript NM_004990.4 (MANE Select); coding-DNA position 806, C replaced by T.
Protein change: p.Thr269Ile; replaces threonine 269 with isoleucine.
Molecular consequence: missense variant.
Genome position (GRCh38, 1-based): chr12:57,498,192, C>T. VCF-style: chr12-57498192-C-T. GRCh37 (hg19) VCF-style: chr12-57891975-C-T.
Other names: short protein forms T269I.
Identifiers: ClinVar variation 4999541 (VCV004999541.1).
Genomic context (GRCh38, chr12:57,498,192, plus strand): 5'-TGTTCTCTTCCTCTTTCCTTACTAGGTTGCCTGTGGCTGGAGAAAGGAATGTGCTCATCA[C>T]CAGTGCCCTCCCTTACGTCAACAATGTCCCCCACCTTGGGAACATCATTGGTTGTGTGCT-3'
Protein context (NP_004981.2, residues 259-279): PVAGERNVLI[Thr269Ile]SALPYVNNVP